The following is an entry in ClinVar:

ClinVar aggregate classification (germline): Uncertain significance (1 of 4 stars; one submission).

Conditions:
Glycogen storage disease type III (GSD3). Also called: Cori disease; FORBES DISEASE. Identifiers: Orphanet 366, MedGen C0017922, MONDO:0009291, OMIM 232400.

gnomAD v4.1: 5 of 1,613,972 alleles (0.00031%); highest among the groups gnomAD compares: Admixed American, 0.0033%; no homozygotes.

Submission:

Labcorp Genetics (formerly Invitae), Labcorp
Classification: Uncertain significance for Glycogen storage disease type III. Last evaluated: 2022-04-29. Review status: criteria provided, single submitter. Criteria: Invitae Variant Classification Sherloc (09022015). Collection method: clinical testing. Allele origin: germline.
Comment: This sequence change replaces histidine, which is basic and polar, with proline, which is neutral and non-polar, at codon 740 of the AGL protein (p.His740Pro). This variant is present in population databases (rs562215810, gnomAD 0.006%). This variant has not been reported in the literature in individuals affected with AGL-related conditions. Algorithms developed to predict the effect of missense changes on protein structure and function are either unavailable or do not agree on the potential impact of this missense change (SIFT: "Tolerated"; PolyPhen-2: "Probably Damaging"; Align-GVGD: "Class C0"). In summary, the available evidence is currently insufficient to determine the role of this variant in disease. Therefore, it has been classified as a Variant of Uncertain Significance.

NM_000642.3(AGL):c.2219A>C (p.His740Pro)

Gene: AGL (amylo-alpha-1,6-glucosidase and 4-alpha-glucanotransferase; plus strand). Cytogenetic location: 1p21.2.
Variant type: single nucleotide variant.
Coding change: c.2219A>C on transcript NM_000642.3 (MANE Select); coding-DNA position 2219, A replaced by C.
Protein change: p.His740Pro; replaces histidine 740 with proline.
Molecular consequence: missense variant.
Genome position (GRCh38, 1-based): chr1:99,881,602, A>C. VCF-style: chr1-99881602-A-C. GRCh37 (hg19) VCF-style: chr1-100347158-A-C.
Other names: c.1841A>C, p.His614Pro (NM_001425332.1); c.2219A>C, p.His740Pro (NM_000028.3, NM_000643.3, NM_000644.3 and 2 more transcripts); c.2171A>C, p.His724Pro (NM_000646.3); c.2018A>C, p.His673Pro (NM_001425327.1); c.2015A>C, p.His672Pro (NM_001425328.1, NM_001425329.1); short protein forms H724P, H740P, H614P, H672P, H673P.
Identifiers: ClinVar variation 2414794 (VCV002414794.2), dbSNP rs562215810, ClinGen allele CA966717.
Genomic context (GRCh38, chr1:99,881,602, plus strand): 5'-TGTATGTGGATCAAGTTGATGAAGACATAGTGGCAGTAACAAGACACTCACCTAGCATCC[A>C]TCAGTCTGTTGTGGCTGTATCTAGAACTGCTTTCAGGAATCCCAAGACTTCATTTTACAG-3'
Protein context (NP_000633.2, residues 730-750): VAVTRHSPSI[His740Pro]QSVVAVSRTA